The following is an entry in ClinVar:

NM_004370.6(COL12A1):c.5503A>G (p.Met1835Val)

Gene: COL12A1 (collagen type XII alpha 1 chain; minus strand). Cytogenetic location: 6q13.
Variant type: single nucleotide variant.
Coding change: c.5503A>G on transcript NM_004370.6 (MANE Select); coding-DNA position 5503, A replaced by G.
Protein change: p.Met1835Val; replaces methionine 1835 with valine.
Molecular consequence: missense variant.
Genome position (GRCh38, 1-based): chr6:75,134,747, T>C on the plus strand (A>G on the coding strand, the complement: COL12A1 is on the minus strand). VCF-style: chr6-75134747-T-C. GRCh37 (hg19) VCF-style: chr6-75844463-T-C.
Other names: c.5503A>G, p.Met1835Val (NM_001424113.1); c.5482A>G, p.Met1828Val (NM_001424114.1); c.5230A>G, p.Met1744Val (NM_001424115.1); c.2011A>G, p.Met671Val (NM_001424116.1, NM_080645.3); short protein forms M1744V, M671V, M1828V, M1835V.
Identifiers: ClinVar variation 4790300 (VCV004790300.1).
Genomic context (GRCh38, chr6:75,134,747, plus strand): 5'-AGCTATTAAAGAAGCTATAGGAACTCAGGTTTCACTTACTGGTCTTGCCTCTTCCCGTCA[T>C]CCGACCTCCTTCACCATCAGGATACAGAGAGGATACGGTGATAGTGTAAGGAGTGTCTGG-3'
Protein context (NP_004361.3, residues 1825-1845): SLYPDGEGGR[Met1835Val]TGRGKTKPLN

ClinVar aggregate classification (germline): Uncertain significance (1 of 4 stars; one submission).

Conditions:
Bethlem myopathy 2 (BTHLM2). Identifiers: Orphanet 536516, Orphanet 610, MedGen C4225313, MONDO:0034022, OMIM 616471.
Ullrich congenital muscular dystrophy 2 (UCMD2). Identifiers: Orphanet 75840, MedGen C4225314, MONDO:0014654, OMIM 616470.

Submission:

Labcorp Genetics (formerly Invitae), Labcorp
Classification: Uncertain significance for Bethlem myopathy 2; Ullrich congenital muscular dystrophy 2. Last evaluated: 2025-07-21. Review status: criteria provided, single submitter. Criteria: Invitae Variant Classification Sherloc (09022015). Collection method: clinical testing. Allele origin: germline.
Comment: This sequence change replaces methionine, which is neutral and non-polar, with valine, which is neutral and non-polar, at codon 1835 of the COL12A1 protein (p.Met1835Val). This variant is not present in population databases (gnomAD no frequency). This variant has not been reported in the literature in individuals affected with COL12A1-related conditions. Invitae Evidence Modeling of protein sequence and biophysical properties (such as structural, functional, and spatial information, amino acid conservation, physicochemical variation, residue mobility, and thermodynamic stability) indicates that this missense variant is not expected to disrupt COL12A1 protein function with a negative predictive value of 80%. In summary, the available evidence is currently insufficient to determine the role of this variant in disease. Therefore, it has been classified as a Variant of Uncertain Significance.